The following is an entry in ClinVar:

ClinVar aggregate classification (germline): Uncertain significance (1 of 4 stars; one submission).

Conditions:
Ataxia-telangiectasia syndrome (AT). Also called: Cerebello-oculocutaneous telangiectasia; Immunodeficiency with ataxia telangiectasia; AT, COMPLEMENTATION GROUP C; Ataxia-telangiectasia, complementation group E; LOUIS-BAR SYNDROME; ATAXIA-TELANGIECTASIA, COMPLEMENTATION GROUP A. Identifiers: Orphanet 100, MedGen C0004135, MONDO:0008840, OMIM 208900.

Submission:

Labcorp Genetics (formerly Invitae), Labcorp
Classification: Uncertain significance for Ataxia-telangiectasia syndrome. Last evaluated: 2025-07-02. Review status: criteria provided, single submitter. Criteria: Invitae Variant Classification Sherloc (09022015). Collection method: clinical testing. Allele origin: germline.
Comment: This sequence change replaces histidine, which is basic and polar, with arginine, which is basic and polar, at codon 290 of the ATM protein (p.His290Arg). This variant is not present in population databases (gnomAD no frequency). This variant has not been reported in the literature in individuals affected with ATM-related conditions. ClinVar contains an entry for this variant (Variation ID: 1371762). Invitae Evidence Modeling of protein sequence and biophysical properties (such as structural, functional, and spatial information, amino acid conservation, physicochemical variation, residue mobility, and thermodynamic stability) indicates that this missense variant is not expected to disrupt ATM protein function with a negative predictive value of 95%. In summary, the available evidence is currently insufficient to determine the role of this variant in disease. Therefore, it has been classified as a Variant of Uncertain Significance.

NM_000051.4(ATM):c.869A>G (p.His290Arg)

Gene: ATM (ATM serine/threonine kinase; plus strand). Cytogenetic location: 11q22.3.
Variant type: single nucleotide variant.
Coding change: c.869A>G on transcript NM_000051.4 (MANE Select); coding-DNA position 869, A replaced by G.
Protein change: p.His290Arg; replaces histidine 290 with arginine.
Molecular consequence: missense variant.
Genome position (GRCh38, 1-based): chr11:108,244,994, A>G. VCF-style: chr11-108244994-A-G. GRCh37 (hg19) VCF-style: chr11-108115721-A-G.
Other names: c.869A>G, p.His290Arg (NM_001351834.2); short protein forms H290R.
Identifiers: ClinVar variation 1371762 (VCV001371762.6), dbSNP rs2135243301, ClinGen allele CA382529531.